The following is an entry in ClinVar:

ClinVar aggregate classification (germline): Uncertain significance (1 of 4 stars; one submission).

Submission:

Ambry Genetics
Classification: Uncertain significance. Last evaluated: 2024-10-05. Review status: criteria provided, single submitter. Criteria: Ambry Variant Classification Scheme 2023. Collection method: clinical testing. Allele origin: germline.
Comment: The p.S446F variant (also known as c.1337C>T), located in coding exon 12 of the RAD54L gene, results from a C to T substitution at nucleotide position 1337. The serine at codon 446 is replaced by phenylalanine, an amino acid with highly dissimilar properties. This amino acid position is conserved. In addition, this alteration is predicted to be deleterious by in silico analysis. Based on the available evidence, the clinical significance of this variant remains unclear.

NM_003579.4(RAD54L):c.1337C>T (p.Ser446Phe)

Gene: RAD54L (RAD54 like; plus strand). Cytogenetic location: 1p34.1.
Variant type: single nucleotide variant.
Coding change: c.1337C>T on transcript NM_003579.4 (MANE Select); coding-DNA position 1337, C replaced by T.
Protein change: p.Ser446Phe; replaces serine 446 with phenylalanine.
Molecular consequence: missense variant.
Genome position (GRCh38, 1-based): chr1:46,272,764, C>T. VCF-style: chr1-46272764-C-T. GRCh37 (hg19) VCF-style: chr1-46738436-C-T.
Other names: c.1337C>T, p.Ser446Phe (NM_001142548.2); c.797C>T, p.Ser266Phe (NM_001370766.1); short protein forms S266F, S446F.
Identifiers: ClinVar variation 3429822 (VCV003429822.1).